The following is an entry in ClinVar:

NM_000313.4(PROS1):c.470-2A>T

Gene: PROS1 (protein S; minus strand). Cytogenetic location: 3q11.1.
Variant type: single nucleotide variant.
Coding change: c.470-2A>T on transcript NM_000313.4 (MANE Select); the canonical splice acceptor site of the intron before coding-DNA position 470, A replaced by T.
Molecular consequence: splice acceptor variant.
Genome position (GRCh38, 1-based): chr3:93,905,917, T>A on the plus strand (A>T on the coding strand, the complement: PROS1 is on the minus strand). VCF-style: chr3-93905917-T-A. GRCh37 (hg19) VCF-style: chr3-93624761-T-A.
Other names: c.566-2A>T (NM_001314077.2).
Identifiers: ClinVar variation 848002 (VCV000848002.7), dbSNP rs1708668246, ClinGen allele CA353673671.

ClinVar aggregate classification (germline): Pathogenic (1 of 4 stars; one submission).

Conditions:
Thrombophilia due to protein S deficiency, autosomal recessive (THPH6). Identifiers: Orphanet 743, MedGen C3281092, MONDO:0013791, OMIM 614514. Disease mechanism: loss of function.

Allele frequency attached by ClinVar (database versions not stated): gnomAD exomes below 0.00001.
gnomAD v4.1: 1 of 1,612,802 alleles (0.000062%); highest among the groups gnomAD compares: African/African-American, 0.0013%; no homozygotes.

Submission:

Labcorp Genetics (formerly Invitae), Labcorp
Classification: Pathogenic for Thrombophilia due to protein S deficiency, autosomal recessive. Last evaluated: 2019-05-19. Review status: criteria provided, single submitter. Criteria: Invitae Variant Classification Sherloc (09022015). Collection method: clinical testing. Allele origin: germline.
Comment: For these reasons, this variant has been classified as Pathogenic. This sequence change affects an acceptor splice site in intron 5 of the PROS1 gene. It is expected to disrupt RNA splicing and likely results in an absent or disrupted protein product. This variant is not present in population databases (ExAC no frequency). This variant has been observed to segregate with protein S deficiency in a family (Invitae). Algorithms developed to predict the effect of sequence changes on RNA splicing suggest that this variant may disrupt the consensus splice site, but this prediction has not been confirmed by published transcriptional studies. Donor and acceptor splice site variants typically lead to a loss of protein function (PMID: 16199547), and loss-of-function variants in PROS1 are known to be pathogenic (PMID: 9241758).

Literature cited by the submitters: PubMed 16199547; PubMed 9241758.